The following is an entry in ClinVar:

ClinVar aggregate classification (germline): Uncertain significance. Review status: criteria provided, multiple submitters, no conflicts (2 of 4 stars). 4 submissions from 4 submitters: Uncertain significance (4). Last evaluated 2025-03-11.

Conditions:
Inborn genetic diseases. Identifiers: MedGen C0950123, MeSH D030342.
Metaphyseal chondrodysplasia, Schmid type (MCDS). Also called: SPONDYLOMETAPHYSEAL DYSPLASIA, JAPANESE TYPE. Identifiers: Orphanet 174, MedGen C0265289, MONDO:0007983, OMIM 156500.

Allele frequency attached by ClinVar (database versions not stated): gnomAD exomes below 0.00001; ExAC 0.00001; TOPMed 0.00002; gnomAD 0.00003; ESP Exome Variant Server 0.00008.
gnomAD v4.1: 8 of 1,614,046 alleles (0.0005%); highest among the groups gnomAD compares: African/African-American, 0.0013%; no homozygotes.

Submissions (4):

Labcorp Genetics (formerly Invitae), Labcorp
Classification: Uncertain significance. Last evaluated: 2025-03-11. Review status: criteria provided, single submitter. Criteria: Invitae Variant Classification Sherloc (09022015). Collection method: clinical testing. Allele origin: germline.
Comment: This sequence change replaces glycine, which is neutral and non-polar, with arginine, which is basic and polar, at codon 241 of the COL10A1 protein (p.Gly241Arg). This variant is present in population databases (rs369551991, gnomAD 0.002%). This variant has not been reported in the literature in individuals affected with COL10A1-related conditions. ClinVar contains an entry for this variant (Variation ID: 2068204). Invitae Evidence Modeling of protein sequence and biophysical properties (such as structural, functional, and spatial information, amino acid conservation, physicochemical variation, residue mobility, and thermodynamic stability) has been performed for this missense variant. However, the output from this modeling did not meet the statistical confidence thresholds required to predict the impact of this variant on COL10A1 protein function. In summary, the available evidence is currently insufficient to determine the role of this variant in disease. Therefore, it has been classified as a Variant of Uncertain Significance.

Ambry Genetics
Classification: Uncertain significance for Inborn genetic diseases. Last evaluated: 2024-10-28. Review status: criteria provided, single submitter. Criteria: Ambry Variant Classification Scheme 2023. Collection method: clinical testing. Allele origin: germline.

Revvity Omics, Revvity
Classification: Uncertain significance for Metaphyseal chondrodysplasia, Schmid type. Last evaluated: 2024-01-23. Review status: criteria provided, single submitter. Criteria: ACMG Guidelines, 2015. Collection method: clinical testing. Allele origin: germline.

Clinical Genomics Laboratory, Washington University in St. Louis
Classification: Uncertain significance for Metaphyseal chondrodysplasia, Schmid type. Last evaluated: 2023-08-29. Review status: criteria provided, single submitter. Criteria: ACMG Guidelines, 2015. Collection method: clinical testing. Allele origin: germline.
Comment: The COL10A1 c.721G>C (p.Gly241Arg) variant, to our knowledge, has not been reported in the medical literature but has been reported in the ClinVar database as a germline variant of uncertain significance by one submitter. This variant is only observed on 2/282736 alleles in the general population (gnomAD v.2.1.1), indicating it is not a common variant. This variant resides within the Gly-X-Y repeats of the triple helix domain and the glycine residues of these repeats are required for the structure and stability of collagen and loss of glycine residues is the known pathogenic mechanism in many collagen-related disorders (Bella J et al., PMID: 7695699.; Long CG et al., PMID: 8218237; Shoulders MD and Raines RT. PMID: 19344236). Computational predictors indicate that the variant is damaging, evidence that correlates with impact to COL10A1 function. Due to limited information, and based on ACMG/AMP guidelines for variant interpretation (Richards S et al., PMID: 25741868), the clinical significance of this variant is uncertain at this time.

NM_000493.4(COL10A1):c.721G>C (p.Gly241Arg)

Genes: COL10A1 (collagen type X alpha 1 chain; minus strand), NT5DC1 (5'-nucleotidase domain containing 1; plus strand). Cytogenetic location: 6q22.1.
Variant type: single nucleotide variant.
Coding change: c.721G>C on transcript NM_000493.4 (MANE Select); coding-DNA position 721, G replaced by C.
Protein change: p.Gly241Arg; replaces glycine 241 with arginine.
Molecular consequence: missense variant. On other transcripts: intron variant (1).
Genome position (GRCh38, 1-based): chr6:116,121,395, C>G on the plus strand (G>C on the coding strand, the complement: COL10A1 is on the minus strand). VCF-style: chr6-116121395-C-G. GRCh37 (hg19) VCF-style: chr6-116442558-C-G.
Other names: c.721G>C, p.Gly241Arg (NM_001424106.1, NM_001424107.1); c.529+3450C>G (NM_152729.3); c.721G>C (NM_000493.3); short protein forms G241R.
Identifiers: ClinVar variation 2068204 (VCV002068204.7), dbSNP rs369551991, ClinGen allele CA3968335.